The following is an entry in ClinVar:

ClinVar aggregate classification (germline): Pathogenic (1 of 4 stars; one submission).

Allele frequency attached by ClinVar (database versions not stated): gnomAD 0.00001; TOPMed 0.00001.

Submission:

Labcorp Genetics (formerly Invitae), Labcorp
Classification: Pathogenic. Last evaluated: 2025-12-11. Review status: criteria provided, single submitter. Criteria: Invitae Variant Classification Sherloc (09022015). Collection method: clinical testing. Allele origin: germline.
Comment: This sequence change creates a premature translational stop signal (p.Trp465*) in the RBP3 gene. It is expected to result in an absent or disrupted protein product. Loss-of-function variants in RBP3 are known to be pathogenic (PMID: 9614228, 23105016, 25766589). This variant is not present in population databases (gnomAD no frequency). This variant has not been reported in the literature in individuals affected with RBP3-related conditions. ClinVar contains an entry for this variant (Variation ID: 844372). For these reasons, this variant has been classified as Pathogenic.

Literature cited by the submitters: PubMed 9614228; PubMed 23105016; PubMed 25766589.

NM_002900.3(RBP3):c.1394G>A (p.Trp465Ter)

Gene: RBP3 (retinol binding protein 3; plus strand). Cytogenetic location: 10q11.22.
Variant type: single nucleotide variant.
Coding change: c.1394G>A on transcript NM_002900.3 (MANE Select); coding-DNA position 1394, G replaced by A.
Protein change: p.Trp465Ter; replaces tryptophan 465 with a stop codon.
Molecular consequence: nonsense.
Genome position (GRCh38, 1-based): chr10:47,349,878, G>A. VCF-style: chr10-47349878-G-A. GRCh37 (hg19) VCF-style: chr10-48389484-C-T.
Other names: short protein forms W465*.
Identifiers: ClinVar variation 844372 (VCV000844372.7), dbSNP rs1346464839, ClinGen allele CA376669620.
Genomic context (GRCh38, chr10:47,349,878, plus strand): 5'-ATAGTTTTGCTGACGCCTCCGTCCTGGGTGTGTTGGCCCCATATGTCCTGCGCCAGGTGT[G>A]GGAGCCGCTACAGGACACGGAGCACCTCATCATGGACCTGCGCCACAACCCTGGAGGGCC-3'